The following is an entry in ClinVar:

ClinVar aggregate classification (germline): Uncertain significance (1 of 4 stars; one submission).

Conditions:
Noonan syndrome 12. Identifiers: MedGen C5231432, MONDO:0032839, OMIM 618624.

gnomAD v4.1: 1 of 1,613,518 alleles (0.000062%); highest among the groups gnomAD compares: Non-Finnish European, 0.000085%; no homozygotes.

Submission:

Neuberg Centre For Genomic Medicine, NCGM
Classification: Uncertain significance for Noonan syndrome 12. Last evaluated: 2023-06-22. Review status: criteria provided, single submitter. Criteria: ACMG Guidelines, 2015. Collection method: clinical testing. Allele origin: germline. Inheritance: Autosomal dominant inheritance. Affected: yes.
Comment: The observed missense c.139A>G(p.Ile47Val) variant in RRAS2 gene has not been reported previously as a pathogenic variant nor as a benign variant, to our knowledge. This variant is absent in gnomAD Exomes. The amino acid Ile at position 47 is changed to a Val changing protein sequence and it might alter its composition and physico-chemical properties. The amino acid change p.Ile47Val in RRAS2 is predicted as conserved by GERP++ and PhyloP across 100 vertebrates. Multiple lines of computational evidence (Polyphen - Damaging, SIFT - Damaging, and MutationTaster - Disease causing) predict a damaging effect on protein structure and function for this variant. For these reasons, this variant has been classified as Uncertain Significance.

NM_012250.6(RRAS2):c.139A>G (p.Ile47Val)

Gene: RRAS2 (RAS related 2; minus strand). Cytogenetic location: 11p15.2.
Variant type: single nucleotide variant.
Coding change: c.139A>G on transcript NM_012250.6 (MANE Select); coding-DNA position 139, A replaced by G.
Protein change: p.Ile47Val; replaces isoleucine 47 with valine.
Molecular consequence: missense variant.
Genome position (GRCh38, 1-based): chr11:14,295,825, T>C on the plus strand (A>G on the coding strand, the complement: RRAS2 is on the minus strand). VCF-style: chr11-14295825-T-C. GRCh37 (hg19) VCF-style: chr11-14317371-T-C.
Other names: c.-93A>G (NM_001102669.3, NM_001177315.2); c.34A>G, p.Ile12Val (NM_001177314.2); short protein forms I12V, I47V.
Identifiers: ClinVar variation 3377589 (VCV003377589.1).